The following is an entry in ClinVar:

ClinVar aggregate classification (germline): Uncertain significance. Review status: criteria provided, multiple submitters, no conflicts (2 of 4 stars). 2 submissions from 2 submitters: Uncertain significance (2). Last evaluated 2025-05-07.

Conditions:
Inborn genetic diseases. Identifiers: MedGen C0950123, MeSH D030342.

Submissions (2):

Ambry Genetics
Classification: Uncertain significance for Inborn genetic diseases. Last evaluated: 2025-05-07. Review status: criteria provided, single submitter. Criteria: Ambry Variant Classification Scheme 2023. Collection method: clinical testing. Allele origin: germline.

Labcorp Genetics (formerly Invitae), Labcorp
Classification: Uncertain significance. Last evaluated: 2024-02-08. Review status: criteria provided, single submitter. Criteria: Invitae Variant Classification Sherloc (09022015). Collection method: clinical testing. Allele origin: germline.
Comment: This sequence change replaces proline, which is neutral and non-polar, with serine, which is neutral and polar, at codon 2193 of the CHD8 protein (p.Pro2193Ser). This variant is present in population databases (rs767428909, gnomAD 0.01%). This variant has not been reported in the literature in individuals affected with CHD8-related conditions. Advanced modeling of protein sequence and biophysical properties (such as structural, functional, and spatial information, amino acid conservation, physicochemical variation, residue mobility, and thermodynamic stability) performed at Invitae indicates that this missense variant is not expected to disrupt CHD8 protein function with a negative predictive value of 80%. In summary, the available evidence is currently insufficient to determine the role of this variant in disease. Therefore, it has been classified as a Variant of Uncertain Significance.

NM_001170629.2(CHD8):c.6577C>T (p.Pro2193Ser)

Gene: CHD8 (chromodomain helicase DNA binding protein 8; minus strand). Cytogenetic location: 14q11.2.
Variant type: single nucleotide variant.
Coding change: c.6577C>T on transcript NM_001170629.2 (MANE Select); coding-DNA position 6577, C replaced by T.
Protein change: p.Pro2193Ser; replaces proline 2193 with serine.
Molecular consequence: missense variant.
Genome position (GRCh38, 1-based): chr14:21,392,701, G>A on the plus strand (C>T on the coding strand, the complement: CHD8 is on the minus strand). VCF-style: chr14-21392701-G-A. GRCh37 (hg19) VCF-style: chr14-21860860-G-A.
Other names: c.6577C>T (NM_001170629.1); c.5740C>T, p.Pro1914Ser (NM_020920.4); short protein forms P1914S, P2193S.
Identifiers: ClinVar variation 3620682 (VCV003620682.3).